The following is an entry in ClinVar:

ClinVar aggregate classification (germline): Pathogenic. Review status: no assertion criteria provided (0 of 4 stars). 2 submissions from 2 submitters: Pathogenic (2). Last evaluated 2012-05-10.

Conditions:
Aplastic anemia. Identifiers: Orphanet 182040, Orphanet 88, MedGen C0002874, MONDO:0015909, OMIM 609135, HP:0001915.
Pulmonary fibrosis and/or bone marrow failure, Telomere-related, 2. Also called: PULMONARY FIBROSIS AND/OR BONE MARROW FAILURE SYNDROME, TELOMERE-RELATED, 2. Identifiers: Orphanet 88, MedGen C3553622, MONDO:0013879, OMIM 614743.

Submissions (2):

GeneReviews
Classification: Pathogenic for Dyskeratosis Congenita. Last evaluated: 2012-05-10. Review status: no assertion criteria provided. Collection method: curation. Allele origin: unknown.
ClinVar note: Converted during submission from pathologic to Pathogenic.

OMIM
Classification: Pathogenic for PULMONARY FIBROSIS AND/OR BONE MARROW FAILURE SYNDROME, TELOMERE-RELATED, 2. Last evaluated: 2002-06-22. Review status: no assertion criteria provided. Collection method: literature only. Allele origin: germline.

Literature cited by the submitters: PubMed 12090986 (cited by OMIM).

NR_001566.3(TERC):n.72C>G

Genes: TERC (telomerase RNA component; minus strand), LOC110806306 (telomerase RNA component (TERC) promoter; plus strand). Cytogenetic location: 3q26.2.
Variant type: single nucleotide variant.
Genome position: GRCh38 VCF-style: chr3-169764989-G-C. GRCh37 (hg19) VCF-style: chr3-169482777-G-C.
Other names: 72C-G; NR_001566.1:r.72c>g.
Identifiers: ClinVar variation 7324 (VCV000007324.4), dbSNP rs199422265, ClinGen allele CA118714.
Genomic context (GRCh38, chr3:169,764,989, plus strand): 5'-GGCTTTTCCGCCCGCTGAAAGTCAGCGAGAAAAACAGCGCGCGGGGAGCAAAAGCACGGC[G>C]CCTACGCCCTTCTCAGTTAGGGTTAGACAAAAAATGGCCACCACCCCTCCCAGGCCCACC-3'